The following is an entry in ClinVar:

NM_004656.4(BAP1):c.967G>T (p.Ala323Ser)

Gene: BAP1 (BRCA1 associated deubiquitinase 1; minus strand). Cytogenetic location: 3p21.1.
Variant type: single nucleotide variant.
Coding change: c.967G>T on transcript NM_004656.4 (MANE Select); coding-DNA position 967, G replaced by T.
Protein change: p.Ala323Ser; replaces alanine 323 with serine.
Molecular consequence: missense variant.
Genome position (GRCh38, 1-based): chr3:52,405,259, C>A on the plus strand (G>T on the coding strand, the complement: BAP1 is on the minus strand). VCF-style: chr3-52405259-C-A. GRCh37 (hg19) VCF-style: chr3-52439275-C-A.
Other names: c.913G>T, p.Ala305Ser (NM_001410772.1); short protein forms A305S, A323S.
Identifiers: ClinVar variation 3016858 (VCV003016858.3), dbSNP rs1559588616, ClinGen allele CA353106191.

ClinVar aggregate classification (germline): Uncertain significance (1 of 4 stars; one submission).

Conditions:
BAP1-related tumor predisposition syndrome (TPDS1). Also called: Tumor susceptibility linked to germline BAP1 mutations; COMMON Syndrome; TUMOR PREDISPOSITION SYNDROME 1; BAP1 tumor predisposition syndrome. Identifiers: Orphanet 289539, MedGen C3280492, MONDO:0013692, OMIM 614327.

gnomAD v4.1: 2 of 1,613,872 alleles (0.00012%); highest among the groups gnomAD compares: Non-Finnish European, 0.00017%; no homozygotes.

Submission:

Labcorp Genetics (formerly Invitae), Labcorp
Classification: Uncertain significance for BAP1-related tumor predisposition syndrome. Last evaluated: 2025-01-22. Review status: criteria provided, single submitter. Criteria: Invitae Variant Classification Sherloc (09022015). Collection method: clinical testing. Allele origin: germline.
Comment: This sequence change replaces alanine, which is neutral and non-polar, with serine, which is neutral and polar, at codon 323 of the BAP1 protein (p.Ala323Ser). This variant is not present in population databases (gnomAD no frequency). This variant has not been reported in the literature in individuals affected with BAP1-related conditions. ClinVar contains an entry for this variant (Variation ID: 3016858). Invitae Evidence Modeling of protein sequence and biophysical properties (such as structural, functional, and spatial information, amino acid conservation, physicochemical variation, residue mobility, and thermodynamic stability) indicates that this missense variant is not expected to disrupt BAP1 protein function with a negative predictive value of 80%. RNA analysis performed to evaluate the impact of this missense change on mRNA splicing indicates it does not significantly alter splicing (internal data). In summary, the available evidence is currently insufficient to determine the role of this variant in disease. Therefore, it has been classified as a Variant of Uncertain Significance.